The following is an entry in ClinVar:

ClinVar aggregate classification (germline): Uncertain significance (1 of 4 stars; one submission).

Allele frequency attached by ClinVar (database versions not stated): gnomAD exomes below 0.00001; TOPMed below 0.00001.
gnomAD v4.1: 1 of 1,592,386 alleles (0.000063%); highest among the groups gnomAD compares: Non-Finnish European, 0.000085%; no homozygotes.

Submission:

Labcorp Genetics (formerly Invitae), Labcorp
Classification: Uncertain significance. Last evaluated: 2022-02-11. Review status: criteria provided, single submitter. Criteria: Invitae Variant Classification Sherloc (09022015). Collection method: clinical testing. Allele origin: germline.
Comment: This sequence change replaces asparagine, which is neutral and polar, with serine, which is neutral and polar, at codon 1910 of the SZT2 protein (p.Asn1910Ser). The frequency data for this variant in the population databases is considered unreliable, as metrics indicate poor data quality at this position in the gnomAD database. This variant has not been reported in the literature in individuals affected with SZT2-related conditions. Algorithms developed to predict the effect of missense changes on protein structure and function (SIFT, PolyPhen-2, Align-GVGD) all suggest that this variant is likely to be disruptive. Algorithms developed to predict the effect of sequence changes on RNA splicing suggest that this variant may create or strengthen a splice site. In summary, the available evidence is currently insufficient to determine the role of this variant in disease. Therefore, it has been classified as a Variant of Uncertain Significance.

NM_001365999.1(SZT2):c.5900A>G (p.Asn1967Ser)

Gene: SZT2 (SZT2 subunit of KICSTOR complex; plus strand). Cytogenetic location: 1p34.2.
Variant type: single nucleotide variant.
Coding change: c.5900A>G on transcript NM_001365999.1 (MANE Select); coding-DNA position 5900, A replaced by G.
Protein change: p.Asn1967Ser; replaces asparagine 1967 with serine.
Molecular consequence: missense variant.
Genome position (GRCh38, 1-based): chr1:43,434,481, A>G. VCF-style: chr1-43434481-A-G. GRCh37 (hg19) VCF-style: chr1-43900152-A-G.
Other names: c.5729A>G, p.Asn1910Ser (NM_015284.4); short protein forms N1967S, N1910S.
Identifiers: ClinVar variation 1971813 (VCV001971813.5), dbSNP rs1227402425, ClinGen allele CA340027345.